The following is an entry in ClinVar:

NM_003200.5(TCF3):c.1618C>A (p.Pro540Thr)

Gene: TCF3 (transcription factor 3; minus strand). Cytogenetic location: 19p13.3.
Variant type: single nucleotide variant.
Coding change: c.1618C>A on transcript NM_003200.5 (MANE Select); coding-DNA position 1618, C replaced by A.
Protein change: p.Pro540Thr; replaces proline 540 with threonine.
Molecular consequence: missense variant. On other transcripts: intron variant (2).
Genome position (GRCh38, 1-based): chr19:1,615,489, G>T on the plus strand (C>A on the coding strand, the complement: TCF3 is on the minus strand). VCF-style: chr19-1615489-G-T. GRCh37 (hg19) VCF-style: chr19-1615488-G-T.
Other names: c.1615C>A, p.Pro539Thr (NM_001351778.2); c.1586+197C>A (NM_001136139.4, NM_001351779.2); short protein forms P539T, P540T.
Identifiers: ClinVar variation 1517454 (VCV001517454.6), dbSNP rs778885981, ClinGen allele CA9049673.

ClinVar aggregate classification (germline): Uncertain significance (1 of 4 stars; one submission).

Allele frequency attached by ClinVar (database versions not stated): gnomAD 0.00001.
gnomAD v4.1: 10 of 1,610,654 alleles (0.00062%); highest among the groups gnomAD compares: Non-Finnish European, 0.00085%; no homozygotes.

Submission:

Labcorp Genetics (formerly Invitae), Labcorp
Classification: Uncertain significance. Last evaluated: 2021-05-17. Review status: criteria provided, single submitter. Criteria: Invitae Variant Classification Sherloc (09022015). Collection method: clinical testing. Allele origin: germline.
Comment: In summary, the available evidence is currently insufficient to determine the role of this variant in disease. Therefore, it has been classified as a Variant of Uncertain Significance. Algorithms developed to predict the effect of missense changes on protein structure and function are either unavailable or do not agree on the potential impact of this missense change (SIFT: "Not Available"; PolyPhen-2: "Benign"; Align-GVGD: "Not Available"). This variant has not been reported in the literature in individuals with TCF3-related conditions. This variant is present in population databases (rs778885981, ExAC 0.002%). This sequence change replaces proline with threonine at codon 540 of the TCF3 protein (p.Pro540Thr). The proline residue is moderately conserved and there is a small physicochemical difference between proline and threonine.